The following is an entry in ClinVar:

NM_001127208.3(TET2):c.2606C>G (p.Pro869Arg)

Genes: TET2 (tet methylcytosine dioxygenase 2; plus strand), TET2-AS1 (TET2 antisense RNA 1; minus strand). Cytogenetic location: 4q24.
Variant type: single nucleotide variant.
Coding change: c.2606C>G on transcript NM_001127208.3 (MANE Select); coding-DNA position 2606, C replaced by G.
Protein change: p.Pro869Arg; replaces proline 869 with arginine.
Molecular consequence: missense variant.
Genome position (GRCh38, 1-based): chr4:105,236,548, C>G. VCF-style: chr4-105236548-C-G. GRCh37 (hg19) VCF-style: chr4-106157705-C-G.
Other names: c.2606C>G, p.Pro869Arg (NM_017628.4); short protein forms P869R.
Identifiers: ClinVar variation 3805883 (VCV003805883.1).

ClinVar aggregate classification (germline): Uncertain significance (1 of 4 stars; one submission).

Submission:

Ambry Genetics
Classification: Uncertain significance. Last evaluated: 2024-12-20. Review status: criteria provided, single submitter. Criteria: Ambry Variant Classification Scheme 2023. Collection method: clinical testing. Allele origin: germline.
Comment: The p.P869R variant (also known as c.2606C>G), located in coding exon 1 of the TET2 gene, results from a C to G substitution at nucleotide position 2606. The proline at codon 869 is replaced by arginine, an amino acid with dissimilar properties. This amino acid position is conserved. In addition, the in silico prediction for this alteration is inconclusive. Based on the available evidence, the clinical significance of this variant remains unclear.